The following is an entry in ClinVar:

ClinVar aggregate classification (germline): Uncertain significance. Review status: criteria provided, multiple submitters, no conflicts (2 of 4 stars). 2 submissions from 2 submitters: Uncertain significance (2). Last evaluated 2022-10-06.

Allele frequency attached by ClinVar (database versions not stated): ExAC 0.00003; gnomAD 0.00003; 1000 Genomes Project 30x 0.00016; 1000 Genomes Project 0.00020.
gnomAD v4.1: 15 of 1,612,678 alleles (0.00093%); highest among the groups gnomAD compares: East Asian, 0.0089%; no homozygotes.

Submissions (2):

Blueprint Genetics
Classification: Uncertain significance. Last evaluated: 2022-10-06. Review status: criteria provided, single submitter. Criteria: ACMG Guidelines, 2015. Collection method: clinical testing. Allele origin: germline.

Labcorp Genetics (formerly Invitae), Labcorp
Classification: Uncertain significance. Last evaluated: 2022-03-21. Review status: criteria provided, single submitter. Criteria: Invitae Variant Classification Sherloc (09022015). Collection method: clinical testing. Allele origin: germline.
Comment: This sequence change replaces arginine, which is basic and polar, with glutamine, which is neutral and polar, at codon 301 of the USH1C protein (p.Arg301Gln). This variant is present in population databases (rs556221893, gnomAD 0.009%). This variant has not been reported in the literature in individuals affected with USH1C-related conditions. Algorithms developed to predict the effect of missense changes on protein structure and function (SIFT, PolyPhen-2, Align-GVGD) all suggest that this variant is likely to be tolerated. In summary, the available evidence is currently insufficient to determine the role of this variant in disease. Therefore, it has been classified as a Variant of Uncertain Significance.

NM_153676.4(USH1C):c.902G>A (p.Arg301Gln)

Gene: USH1C (USH1 protein network component harmonin; minus strand). Cytogenetic location: 11p15.1.
Variant type: single nucleotide variant.
Coding change: c.902G>A on transcript NM_153676.4 (MANE Select); coding-DNA position 902, G replaced by A.
Protein change: p.Arg301Gln; replaces arginine 301 with glutamine.
Molecular consequence: missense variant. On other transcripts: non-coding transcript variant (1).
Genome position (GRCh38, 1-based): chr11:17,522,901, C>T on the plus strand (G>A on the coding strand, the complement: USH1C is on the minus strand). VCF-style: chr11-17522901-C-T. GRCh37 (hg19) VCF-style: chr11-17544448-C-T.
Other names: c.845G>A, p.Arg282Gln (NM_001297764.2); c.902G>A, p.Arg301Gln (NM_005709.4); short protein forms R301Q, R282Q.
Identifiers: ClinVar variation 2143941 (VCV002143941.2), dbSNP rs556221893, ClinGen allele CA5904795.